The following is an entry in ClinVar:

ClinVar aggregate classification (germline): Likely benign (1 of 4 stars; one submission).

gnomAD v4.1: 1 of 1,613,912 alleles (0.000062%); highest among the groups gnomAD compares: Non-Finnish European, 0.000085%; no homozygotes.

Submission:

CeGaT Center for Human Genetics Tuebingen
Classification: Likely benign. Last evaluated: 2026-09-01. Review status: criteria provided, single submitter. Criteria: CeGaT Center For Human Genetics Tuebingen Variant Classification Criteria Version 2. Collection method: clinical testing. Allele origin: germline. Affected: yes. Observed: 1 variant allele.
Comment: TBCD: BP4, BP7

NM_005993.5(TBCD):c.3222C>T (p.Leu1074=)

Gene: TBCD (tubulin folding cofactor D). Cytogenetic location: 17q25.3.
Variant type: single nucleotide variant.
Coding change: c.3222C>T on transcript NM_005993.5 (MANE Select); coding-DNA position 3222, C replaced by T.
Protein change: p.Leu1074=; no amino-acid change (leucine 1074 retained).
Molecular consequence: synonymous variant.
Genome position (GRCh38, 1-based): chr17:82,937,301, C>T. VCF-style: chr17-82937301-C-T. GRCh37 (hg19) VCF-style: chr17-80895177-C-T.
Other names: c.3171C>T, p.Leu1057= (NM_001411101.1); c.3141C>T, p.Leu1047= (NM_001411102.1); c.2865C>T, p.Leu955= (NM_001437989.1); c.3033C>T, p.Leu1011= (NM_001438250.1).
Identifiers: ClinVar variation 5041365 (VCV005041365.1).